The following is an entry in ClinVar:

ClinVar aggregate classification (germline): Uncertain significance (1 of 4 stars; one submission).

Conditions:
Hereditary cancer-predisposing syndrome. Also called: Neoplastic Syndromes, Hereditary; Tumor predisposition; Hereditary neoplastic syndrome; Hereditary Cancer Syndrome. Identifiers: Orphanet 140162, MedGen C0027672, MeSH D009386, MONDO:0015356.

Submission:

Ambry Genetics
Classification: Uncertain significance for Hereditary cancer-predisposing syndrome. Last evaluated: 2022-11-20. Review status: criteria provided, single submitter. Criteria: Ambry Variant Classification Scheme 2023. Collection method: clinical testing. Allele origin: germline.
Comment: The p.M1137I variant (also known as c.3411G>C), located in coding exon 5 of the MSH6 gene, results from a G to C substitution at nucleotide position 3411. The methionine at codon 1137 is replaced by isoleucine, an amino acid with highly similar properties. This amino acid position is conserved. In addition, this alteration is predicted to be deleterious by in silico analysis. Since supporting evidence is limited at this time, the clinical significance of this alteration remains unclear.

NM_000179.3(MSH6):c.3411G>C (p.Met1137Ile)

Gene: MSH6 (mutS homolog 6; plus strand). Cytogenetic location: 2p16.3.
Variant type: single nucleotide variant.
Coding change: c.3411G>C on transcript NM_000179.3 (MANE Select); coding-DNA position 3411, G replaced by C.
Protein change: p.Met1137Ile; replaces methionine 1137 with isoleucine.
Molecular consequence: missense variant. On other transcripts: non-coding transcript variant (5).
Genome position (GRCh38, 1-based): chr2:47,803,658, G>C. VCF-style: chr2-47803658-G-C. GRCh37 (hg19) VCF-style: chr2-48030797-G-C.
Other names: c.3021G>C, p.Met1007Ile (NM_001281492.2); c.2505G>C, p.Met835Ile (NM_001281493.2, NM_001281494.2, NM_001406811.1 and 6 more transcripts); c.3507G>C, p.Met1169Ile (NM_001406795.1, NM_001406802.1); c.3411G>C, p.Met1137Ile (NM_001406796.1, NM_001406800.1, NM_001406808.1 and 1 more transcripts); c.3114G>C, p.Met1038Ile (NM_001406797.1, NM_001406801.1, NM_001406805.1 and 10 more transcripts); c.3237G>C, p.Met1079Ile (NM_001406798.1); c.2886G>C, p.Met962Ile (NM_001406799.1, NM_001406806.1, NM_001406807.1); c.2547G>C, p.Met849Ile (NM_001406803.1); and 7 more; short protein forms M1007I, M1079I, M1081I, M1111I, M1137I, M1139I, M1169I, M849I.
Identifiers: ClinVar variation 2453161 (VCV002453161.2), dbSNP rs2104485257, ClinGen allele CA346758904.
Genomic context (GRCh38, chr2:47,803,658, plus strand): 5'-TGAGGAAGAGGAGCAGGAAAATGGCAAAGCCTATTGTGTGCTTGTTACTGGACCAAATAT[G>C]GGGGGCAAGTCTACGCTTATGAGACAGGTAACTGATTCTTAAAGTTTTGTTATCAGAAAG-3'
Protein context (NP_000170.1, residues 1127-1147): AYCVLVTGPN[Met1137Ile]GGKSTLMRQA